The following is an entry in ClinVar:

ClinVar aggregate classification (germline): Uncertain significance (1 of 4 stars; one submission).

Submission:

Ambry Genetics
Classification: Uncertain significance. Last evaluated: 2026-03-10. Review status: criteria provided, single submitter. Criteria: Ambry Variant Classification Scheme 2023. Collection method: clinical testing. Allele origin: germline.
Comment: The c.20_30del11insTTCCG variant (also known as p.G7_T9delinsV), located in coding exon 2 of the RPS20 gene, results from an in-frame deletion of GAAAAACACCC and insertion of TTCCG at nucleotide positions 20 to 30. This results in the substitution of glycine and threonine residues for a valine residue at codon 7. This amino acid region is well conserved in available vertebrate species. In addition, the in silico prediction for this variant is inconclusive (Choi Y et al. PLoS ONE. 2012; 7(10):e46688). Based on the available evidence, the clinical significance of this variant remains unclear.

NM_001023.4(RPS20):c.20_30delinsTTCCG (p.Gly7_Thr9delinsVal)

Gene: RPS20 (ribosomal protein S20; minus strand). Cytogenetic location: 8q12.1.
Variant type: Indel.
Coding change: c.20_30delinsTTCCG on transcript NM_001023.4 (MANE Select); coding-DNA positions 20 to 30, GAAAAACACCC replaced by TTCCG.
Protein change: p.Gly7_Thr9delinsVal.
Molecular consequence: inframe indel.
Genome position (GRCh38, 1-based): chr8:56,074,133-56,074,143, GGGTGTTTTTC replaced by CGGAA on the plus strand (GAAAAACACCC replaced by TTCCG on the coding strand, the reverse complement: RPS20 is on the minus strand). VCF-style: chr8-56074133-GGGTGTTTTTC-CGGAA. GRCh37 (hg19) VCF-style: chr8-56986692-GGGTGTTTTTC-CGGAA.
Other names: c.20_30delinsTTCCG, p.Gly7_Thr9delinsVal (NM_001146227.3).
Identifiers: ClinVar variation 4825840 (VCV004825840.1).